The following is an entry in ClinVar:

NM_000218.3(KCNQ1):c.1394-22435G>A

Genes: KCNQ1 (potassium voltage-gated channel subfamily Q member 1; plus strand), KCNQ1OT1 (KCNQ1 opposite strand/antisense transcript 1; minus strand). Cytogenetic location: 11p15.5.
Variant type: single nucleotide variant.
Coding change: c.1394-22435G>A on transcript NM_000218.3 (MANE Select); 22435 bases into the intron before coding-DNA position 1394, G replaced by A.
Molecular consequence: intron variant. On other transcripts: non-coding transcript variant (1).
Genome position (GRCh38, 1-based): chr11:2,639,526, G>A. VCF-style: chr11-2639526-G-A. GRCh37 (hg19) VCF-style: chr11-2660756-G-A.
Other names: c.1124-22435G>A (NM_001406837.1); c.1298-22435G>A (NM_001406836.1); c.854-22435G>A (NM_001406838.1); c.1013-22435G>A (NM_181798.2).
Identifiers: ClinVar variation 3061622 (VCV003061622.2), dbSNP rs916375308, ClinGen allele CA216152679.

ClinVar aggregate classification (germline): Likely benign (0 of 4 stars; one submission).

Conditions:
KCNQ1-related disorder. Also called: KCNQ1-related condition; KCNQ1-related disorders. Identifiers: MedGen CN239322.

Allele frequency attached by ClinVar (database versions not stated): TOPMed 0.00009; gnomAD 0.00014.

Submission:

PreventionGenetics, part of Exact Sciences
Classification: Likely benign for KCNQ1-related condition. Last evaluated: 2022-04-28. Review status: no assertion criteria provided. Collection method: clinical testing. Allele origin: germline.
Comment: This variant is classified as likely benign based on ACMG/AMP sequence variant interpretation guidelines (Richards et al. 2015 PMID: 25741868, with internal and published modifications).